The following is an entry in ClinVar:

ClinVar aggregate classification (germline): Uncertain significance (1 of 4 stars; one submission).

Submission:

Labcorp Genetics (formerly Invitae), Labcorp
Classification: Uncertain significance. Last evaluated: 2025-05-02. Review status: criteria provided, single submitter. Criteria: Invitae Variant Classification Sherloc (09022015). Collection method: clinical testing. Allele origin: germline.
Comment: This sequence change replaces asparagine, which is neutral and polar, with serine, which is neutral and polar, at codon 517 of the POLR3B protein (p.Asn517Ser). This variant is not present in population databases (gnomAD no frequency). This variant has not been reported in the literature in individuals affected with POLR3B-related conditions. ClinVar contains an entry for this variant (Variation ID: 2815592). Invitae Evidence Modeling of protein sequence and biophysical properties (such as structural, functional, and spatial information, amino acid conservation, physicochemical variation, residue mobility, and thermodynamic stability) indicates that this missense variant is not expected to disrupt POLR3B protein function with a negative predictive value of 80%. In summary, the available evidence is currently insufficient to determine the role of this variant in disease. Therefore, it has been classified as a Variant of Uncertain Significance.

NM_018082.6(POLR3B):c.1550A>G (p.Asn517Ser)

Gene: POLR3B (RNA polymerase III subunit B; plus strand). Cytogenetic location: 12q23.3.
Variant type: single nucleotide variant.
Coding change: c.1550A>G on transcript NM_018082.6 (MANE Select); coding-DNA position 1550, A replaced by G.
Protein change: p.Asn517Ser; replaces asparagine 517 with serine.
Molecular consequence: missense variant.
Genome position (GRCh38, 1-based): chr12:106,432,403, A>G. VCF-style: chr12-106432403-A-G. GRCh37 (hg19) VCF-style: chr12-106826181-A-G.
Other names: c.1376A>G, p.Asn459Ser (NM_001160708.2); short protein forms N517S, N459S.
Identifiers: ClinVar variation 2815592 (VCV002815592.3), dbSNP rs1419374088, ClinGen allele CA386389839.